The following is an entry in ClinVar:

ClinVar aggregate classification (germline): Uncertain significance. Review status: criteria provided, multiple submitters, no conflicts (2 of 4 stars). 2 submissions from 2 submitters: Uncertain significance (2). Last evaluated 2025-08-01.

Conditions:
Carney complex, type 1 (CNC1). Also called: CARNEY MYXOMA-ENDOCRINE COMPLEX; CARNEY COMPLEX, TYPE I. Identifiers: Orphanet 1359, MedGen C2607929, MONDO:0008057, OMIM 160980.
Hereditary cancer-predisposing syndrome. Also called: Neoplastic Syndromes, Hereditary; Hereditary Cancer Syndrome; Tumor predisposition; Hereditary neoplastic syndrome. Identifiers: Orphanet 140162, MedGen C0027672, MeSH D009386, MONDO:0015356.

gnomAD v4.1: 1 of 1,614,102 alleles (0.000062%); highest among the groups gnomAD compares: Non-Finnish European, 0.000085%; no homozygotes.

Submissions (2):

Labcorp Genetics (formerly Invitae), Labcorp
Classification: Uncertain significance for Carney complex, type 1. Last evaluated: 2025-08-01. Review status: criteria provided, single submitter. Criteria: Invitae Variant Classification Sherloc (09022015). Collection method: clinical testing. Allele origin: germline.
Comment: This sequence change replaces glutamic acid, which is acidic and polar, with lysine, which is basic and polar, at codon 81 of the PRKAR1A protein (p.Glu81Lys). This variant is not present in population databases (gnomAD no frequency). This variant has not been reported in the literature in individuals affected with PRKAR1A-related conditions. ClinVar contains an entry for this variant (Variation ID: 3783308). Invitae Evidence Modeling of protein sequence and biophysical properties (such as structural, functional, and spatial information, amino acid conservation, physicochemical variation, residue mobility, and thermodynamic stability) indicates that this missense variant is not expected to disrupt PRKAR1A protein function with a negative predictive value of 95%. In summary, the available evidence is currently insufficient to determine the role of this variant in disease. Therefore, it has been classified as a Variant of Uncertain Significance.

Ambry Genetics
Classification: Uncertain significance for Hereditary cancer-predisposing syndrome. Last evaluated: 2025-01-17. Review status: criteria provided, single submitter. Criteria: Ambry Variant Classification Scheme 2023. Collection method: clinical testing. Allele origin: germline.
Comment: The p.E81K variant (also known as c.241G>A), located in coding exon 2 of the PRKAR1A gene, results from a G to A substitution at nucleotide position 241. The glutamic acid at codon 81 is replaced by lysine, an amino acid with similar properties. This amino acid position is conserved. In addition, this alteration is predicted to be deleterious by in silico analysis. Based on the available evidence, the clinical significance of this variant remains unclear.

NM_002734.5(PRKAR1A):c.241G>A (p.Glu81Lys)

Gene: PRKAR1A (protein kinase cAMP-dependent type I regulatory subunit alpha; plus strand). Cytogenetic location: 17q24.2.
Variant type: single nucleotide variant.
Coding change: c.241G>A on transcript NM_002734.5 (MANE Select); coding-DNA position 241, G replaced by A.
Protein change: p.Glu81Lys; replaces glutamic acid 81 with lysine.
Molecular consequence: missense variant.
Genome position (GRCh38, 1-based): chr17:68,522,819, G>A. VCF-style: chr17-68522819-G-A. GRCh37 (hg19) VCF-style: chr17-66518960-G-A.
Other names: c.241G>A, p.Glu81Lys (NM_001276289.2, NM_001276290.1, NM_001278433.2 and 4 more transcripts); short protein forms E81K.
Identifiers: ClinVar variation 3783308 (VCV003783308.2).